The following is an entry in ClinVar:

ClinVar aggregate classification (germline): Pathogenic (1 of 4 stars; one submission).

Submission:

Labcorp Genetics (formerly Invitae), Labcorp
Classification: Pathogenic. Last evaluated: 2023-06-29. Review status: criteria provided, single submitter. Criteria: Invitae Variant Classification Sherloc (09022015). Collection method: clinical testing. Allele origin: germline.
Comment: This sequence change creates a premature translational stop signal (p.Asp662Glufs*10) in the LAMA3 gene. It is expected to result in an absent or disrupted protein product. Loss-of-function variants in LAMA3 are known to be pathogenic (PMID: 10366601, 11810295, 12915477, 16473856, 17362460, 22434185, 23869449, 27827380, 28087116). This variant is not present in population databases (gnomAD no frequency). This variant has not been reported in the literature in individuals affected with LAMA3-related conditions. For these reasons, this variant has been classified as Pathogenic.

Literature cited by the submitters: PubMed 10366601; PubMed 11810295; PubMed 12915477; PubMed 16473856; PubMed 17362460; PubMed 22434185; PubMed 23869449; PubMed 27827380; PubMed 28087116.

NM_198129.4(LAMA3):c.6812dup (p.Asp2271fs)

Gene: LAMA3 (laminin subunit alpha 3; plus strand). Cytogenetic location: 18q11.2.
Variant type: Duplication.
Coding change: c.6812dup on transcript NM_198129.4 (MANE Select); coding-DNA position 6812, one base duplicated (A; older notation c.6812dupA).
Protein change: p.Asp2271fs; shifts the reading frame from aspartic acid 2271.
Molecular consequence: frameshift variant.
Genome position (GRCh38, 1-based): chr18:23,907,643, A duplicated. VCF-style (leftmost placement, unchanged base first): chr18-23907642-G-GA. GRCh37 (hg19) VCF-style: chr18-21487606-G-GA.
Other names: c.1985dup, p.Asp662fs (NM_000227.6); c.6644dup, p.Asp2215fs (NM_001127717.4); c.1817dup, p.Asp606fs (NM_001127718.4); short protein forms D606fs, D2215fs, D662fs, D2271fs.
Identifiers: ClinVar variation 2732488 (VCV002732488.3), dbSNP rs2511429439, ClinGen allele CA2697555360.